The following is an entry in ClinVar:

NM_000090.4(COL3A1):c.3319G>A (p.Gly1107Arg)

Gene: COL3A1 (collagen type III alpha 1 chain; plus strand). Cytogenetic location: 2q32.2.
Variant type: single nucleotide variant.
Coding change: c.3319G>A on transcript NM_000090.4 (MANE Select); coding-DNA position 3319, G replaced by A.
Protein change: p.Gly1107Arg; replaces glycine 1107 with arginine.
Molecular consequence: missense variant.
Genome position (GRCh38, 1-based): chr2:189,007,563, G>A. VCF-style: chr2-189007563-G-A. GRCh37 (hg19) VCF-style: chr2-189872289-G-A.
Identifiers: ClinVar variation 101267 (VCV000101267.10), dbSNP rs587779561, ClinGen allele CA006301.
Genomic context (GRCh38, chr2:189,007,563, plus strand): 5'-CCTCAAGGCCCACGTGGTGACAAAGGTGAAACAGGTGAACGTGGAGCTGCTGGCATCAAA[G>A]GACATCGAGGATTCCCTGGTAATCCAGGTGCCCCAGGTTCTCCAGTAAGTGCATTCATTT-3'
Protein context (NP_000081.2, residues 1097-1117): TGERGAAGIK[Gly1107Arg]HRGFPGNPGA

ClinVar aggregate classification (germline): Likely pathogenic. Review status: criteria provided, single submitter (1 of 4 stars). 2 submissions from 2 submitters: Likely pathogenic (1). 1 of the submissions does not count toward it. Last evaluated 2021-01-18.

Conditions:
Ehlers-Danlos syndrome, type 4 (EDSVASC). Also called: Ehlers-Danlos syndrome vascular type; Ehlers Danlos syndrome, ecchymotic type; Ehlers Danlos syndrome, arterial type; Ehlers Danlos syndrome, Sack-Barabas type; Ehlers-Danlos Syndrome Type IV. Identifiers: Orphanet 286, MedGen C0268338, MONDO:0017314, OMIM 130050.

Submissions (2):

Labcorp Genetics (formerly Invitae), Labcorp
Classification: Likely pathogenic for Ehlers-Danlos syndrome, type 4. Last evaluated: 2021-01-18. Review status: criteria provided, single submitter. Criteria: Invitae Variant Classification Sherloc (09022015). Collection method: clinical testing. Allele origin: germline.
Comment: In summary, the currently available evidence indicates that the variant is pathogenic, but additional data are needed to prove that conclusively. Therefore, this variant has been classified as Likely Pathogenic. This variant disrupts the triple helix domain of COL3A1. Glycine residues within the Gly-Xaa-Yaa repeats of the triple helix domain are required for the structure and stability of fibrillar collagens (PMID: 7695699, 8218237, 19344236). In COL3A1, variants that affect these glycine residues are significantly enriched in individuals with disease (PMID: 24922459, 25758994) compared to the general population (ExAC). Advanced modeling of protein sequence and biophysical properties (such as structural, functional, and spatial information, amino acid conservation, physicochemical variation, residue mobility, and thermodynamic stability) performed at Invitae indicates that this missense variant is expected to disrupt COL3A1 protein function. This variant has been observed in individual(s) with clinical features of vascular Ehlers-Danlos syndrome (PMID: 24650746, 24922459). . ClinVar contains an entry for this variant (Variation ID: 101267). This variant is not present in population databases (ExAC no frequency). This sequence change replaces glycine with arginine at codon 1107 of the COL3A1 protein (p.Gly1107Arg). The glycine residue is moderately conserved and there is a moderate physicochemical difference between glycine and arginine.

Collagen Diagnostic Laboratory, University of Washington
Classification: Pathogenic for Ehlers-Danlos syndrome, type 4. Review status: no assertion criteria provided. Collection method: clinical testing. Allele origin: germline. Affected: yes. Not counted in ClinVar's aggregate classification.

Literature cited by the submitters: PubMed 7695699 (cited by Labcorp Genetics (formerly Invitae), Labcorp); PubMed 8218237 (cited by Labcorp Genetics (formerly Invitae), Labcorp); PubMed 19344236 (cited by Labcorp Genetics (formerly Invitae), Labcorp); PubMed 24922459 (cited by Labcorp Genetics (formerly Invitae), Labcorp); PubMed 25758994 (cited by Labcorp Genetics (formerly Invitae), Labcorp); PubMed 24650746 (cited by Labcorp Genetics (formerly Invitae), Labcorp).